The following is an entry in ClinVar:

ClinVar aggregate classification (germline): Uncertain significance. Review status: criteria provided, multiple submitters, no conflicts (2 of 4 stars). 3 submissions from 3 submitters: Uncertain significance (3). Last evaluated 2024-05-21.

Conditions:
Catecholaminergic polymorphic ventricular tachycardia (CVPT). Also called: Catecholamine-induced polymorphic ventricular tachycardia. Identifiers: Orphanet 3286, MedGen C5574922, MONDO:0017990.
Catecholaminergic polymorphic ventricular tachycardia 1. Also called: VENTRICULAR TACHYCARDIA, STRESS-INDUCED POLYMORPHIC 1; VENTRICULAR TACHYCARDIA, CATECHOLAMINERGIC POLYMORPHIC, 1, WITH OR WITHOUT ATRIAL DYSFUNCTION AND/OR DILATED CARDIOMYOPATHY; RYR2-Related Catecholaminergic Polymorphic Ventricular Tachycardia. Identifiers: Orphanet 3286, MedGen C1631597, MONDO:0011484, OMIM 604772.

Submissions (3):

Labcorp Genetics (formerly Invitae), Labcorp
Classification: Uncertain significance for Catecholaminergic polymorphic ventricular tachycardia 1. Last evaluated: 2024-05-21. Review status: criteria provided, single submitter. Criteria: Invitae Variant Classification Sherloc (09022015). Collection method: clinical testing. Allele origin: germline.
Comment: This sequence change replaces phenylalanine, which is neutral and non-polar, with serine, which is neutral and polar, at codon 1763 of the RYR2 protein (p.Phe1763Ser). This variant is not present in population databases (gnomAD no frequency). This variant has not been reported in the literature in individuals affected with RYR2-related conditions. ClinVar contains an entry for this variant (Variation ID: 373634). Advanced modeling of protein sequence and biophysical properties (such as structural, functional, and spatial information, amino acid conservation, physicochemical variation, residue mobility, and thermodynamic stability) performed at Invitae indicates that this missense variant is not expected to disrupt RYR2 protein function with a negative predictive value of 95%. In summary, the available evidence is currently insufficient to determine the role of this variant in disease. Therefore, it has been classified as a Variant of Uncertain Significance.

All of Us Research Program, National Institutes of Health
Classification: Uncertain significance for Catecholaminergic polymorphic ventricular tachycardia. Last evaluated: 2023-10-02. Review status: criteria provided, single submitter. Criteria: ACMG Guidelines, 2015. Collection method: clinical testing. Allele origin: germline. Inheritance: Autosomal dominant inheritance. Observed: 1 variant allele, 1 heterozygote.
Comment: This missense variant replaces phenylalanine with serine at codon 1763 of the RYR2 protein. Computational prediction suggests that this variant may not impact protein structure and function (internally defined REVEL score threshold <= 0.5, PMID: 27666373). To our knowledge, functional studies have not been reported for this variant. This variant has not been reported in individuals affected with RYR2-related disorders in the literature. This variant has not been identified in the general population by the Genome Aggregation Database (gnomAD). The available evidence is insufficient to determine the role of this variant in disease conclusively. Therefore, this variant is classified as a Variant of Uncertain Significance.

This study involves interpretation of variants in research participants for the purpose of population health screening. Participant phenotype was not available at the time of variant classification. Additional details can be found in publication PMID: 35346344, PMCID: PMC8962531

GeneDx
Classification: Uncertain significance. Last evaluated: 2016-11-28. Review status: criteria provided, single submitter. Criteria: GeneDx Variant Classification (06012015). Collection method: clinical testing. Allele origin: germline. Affected: yes.
Comment: A variant of uncertain significance has been identified in the RYR2 gene. The F1763S variant has not been published as a pathogenic variant, nor has it been reported as a benign variant to our knowledge. This variant was not observed in approximately 6,100 individuals of European and African American ancestry in the NHLBI Exome Sequencing Project, indicating it is not a common benign variant in these populations. The F1763S variant is a non-conservative amino acid substitution, which is likely to impact secondary protein structure as these residues differ in polarity, charge, size and/or other properties and in silico analysis predicts this variant is probably damaging to the protein structure/function. However, this substitution occurs at a position that is not conserved across species.Therefore, based on the currently available information, it is unclear whether this variant is pathogenic or rare benign.

NM_001035.3(RYR2):c.5288T>C (p.Phe1763Ser)

Gene: RYR2 (ryanodine receptor 2; plus strand). Cytogenetic location: 1q43.
Variant type: single nucleotide variant.
Coding change: c.5288T>C on transcript NM_001035.3 (MANE Select); coding-DNA position 5288, T replaced by C.
Protein change: p.Phe1763Ser; replaces phenylalanine 1763 with serine.
Molecular consequence: missense variant.
Genome position (GRCh38, 1-based): chr1:237,614,416, T>C. VCF-style: chr1-237614416-T-C. GRCh37 (hg19) VCF-style: chr1-237777716-T-C.
Other names: c.5288T>C, p.Phe1763Ser (LRG_402t1); short protein forms F1763S.
Identifiers: ClinVar variation 373634 (VCV000373634.4), dbSNP rs1057518518, ClinGen allele CA16042350.